The following is an entry in ClinVar:

NM_139057.4(ADAMTS17):c.1361G>A (p.Arg454Lys)

Gene: ADAMTS17 (ADAM metallopeptidase with thrombospondin type 1 motif 17; minus strand). Cytogenetic location: 15q26.3.
Variant type: single nucleotide variant.
Coding change: c.1361G>A on transcript NM_139057.4 (MANE Select); coding-DNA position 1361, G replaced by A.
Protein change: p.Arg454Lys; replaces arginine 454 with lysine.
Molecular consequence: missense variant.
Genome position (GRCh38, 1-based): chr15:100,152,724, C>T on the plus strand (G>A on the coding strand, the complement: ADAMTS17 is on the minus strand). VCF-style: chr15-100152724-C-T. GRCh37 (hg19) VCF-style: chr15-100692929-C-T.
Other names: p.Arg454Lys; short protein forms R454K.
Identifiers: ClinVar variation 4541983 (VCV004541983.1).

ClinVar aggregate classification (germline): Uncertain significance (1 of 4 stars; one submission).

gnomAD v4.1: 4 of 1,614,180 alleles (0.00025%); highest among the groups gnomAD compares: South Asian, 0.0033%; no homozygotes.

Submission:

Mayo Clinic Laboratories, Mayo Clinic
Classification: Uncertain significance. Last evaluated: 2025-10-16. Review status: criteria provided, single submitter. Criteria: ACMG Guidelines, 2015. Collection method: clinical testing. Allele origin: germline. Observed: 1 variant allele.
Comment: BP4_moderate, PM2_supporting